The following is an entry in ClinVar:

ClinVar aggregate classification (germline): Conflicting classifications of pathogenicity. Review status: criteria provided, conflicting classifications (1 of 4 stars). 5 submissions from 5 submitters: Uncertain significance (1); Likely benign (3). 1 of the submissions does not count toward it. Last evaluated 2026-09-01.

Conditions:
Zellweger spectrum disorders (ZS). Also called: Zellweger Spectrum Disorder; Zellweger Spectrum; Zellweger syndrome; Zellweger Spectrum Disorder (ZSD). Identifiers: Orphanet 912, MedGen C0043459, MONDO:0019609.
PEX1-related disorder. Also called: PEX1-related condition.

Allele frequency attached by ClinVar (database versions not stated): ExAC 0.00002; 1000 Genomes Project 30x 0.00016; 1000 Genomes Project 0.00020.
gnomAD v4.1: 14 of 1,590,248 alleles (0.00088%); highest among the groups gnomAD compares: Admixed American, 0.022%; no homozygotes.

Submissions (5):

CeGaT Center for Human Genetics Tuebingen
Classification: Likely benign. Last evaluated: 2026-09-01. Review status: criteria provided, single submitter. Criteria: CeGaT Center For Human Genetics Tuebingen Variant Classification Criteria Version 2. Collection method: clinical testing. Allele origin: germline. Affected: yes. Observed: 1 variant allele.
Comment: PEX1: BP4, BP7

Labcorp Genetics (formerly Invitae), Labcorp
Classification: Likely benign for Zellweger spectrum disorders. Last evaluated: 2026-01-04. Review status: criteria provided, single submitter. Criteria: Invitae Variant Classification Sherloc (09022015). Collection method: clinical testing. Allele origin: germline.

Blueprint Genetics
Classification: Likely benign. Last evaluated: 2022-11-02. Review status: criteria provided, single submitter. Criteria: ACMG Guidelines, 2015. Collection method: clinical testing. Allele origin: germline.

Eurofins Ntd Llc (ga)
Classification: Uncertain significance. Last evaluated: 2015-01-30. Review status: criteria provided, single submitter. Criteria: EGL Classification Definitions 2015. Collection method: clinical testing. Allele origin: germline. Observed: 1 variant allele, 1 heterozygote.

PreventionGenetics, part of Exact Sciences
Classification: Likely benign for PEX1-related condition. Last evaluated: 2020-01-03. Review status: no assertion criteria provided. Collection method: clinical testing. Allele origin: germline. Not counted in ClinVar's aggregate classification.
Comment: This variant is classified as likely benign based on ACMG/AMP sequence variant interpretation guidelines (Richards et al. 2015 PMID: 25741868, with internal and published modifications).

NM_000466.3(PEX1):c.363G>A (p.Leu121=)

Gene: PEX1 (peroxisomal biogenesis factor 1; minus strand). Cytogenetic location: 7q21.2.
Variant type: single nucleotide variant.
Coding change: c.363G>A on transcript NM_000466.3 (MANE Select); coding-DNA position 363, G replaced by A.
Protein change: p.Leu121=; no amino-acid change (leucine 121 retained).
Molecular consequence: synonymous variant. On other transcripts: 5 prime UTR variant (1).
Genome position (GRCh38, 1-based): chr7:92,518,250, C>T on the plus strand (G>A on the coding strand, the complement: PEX1 is on the minus strand). VCF-style: chr7-92518250-C-T. GRCh37 (hg19) VCF-style: chr7-92147564-C-T.
Other names: c.363G>A (NM_000466.2); c.363G>A, p.Leu121= (NM_001282677.2); c.-262G>A (NM_001282678.2).
Identifiers: ClinVar variation 197148 (VCV000197148.17), dbSNP rs200866361, ClinGen allele CA245129.
Genomic context (GRCh38, chr7:92,518,250, plus strand): 5'-GGCTTTTGGAAAAACTATTCGAATTTGATCTAGAAGATGTTGTTCAAGGGAAACAGCATG[C>T]AGCTCCTAGAACCAACAGACGAAAAGATCAATTCACTTTACATTTTGTCCACTCCATATC-3'
Protein context (NP_000457.1, residues 111-131): LSADDWEILE[Leu121=]HAVSLEQHLL